The following is an entry in ClinVar:

ClinVar aggregate classification (germline): Conflicting classifications of pathogenicity. Review status: criteria provided, conflicting classifications (1 of 4 stars). 5 submissions from 5 submitters: Uncertain significance (3); Likely benign (1). 1 of the submissions does not count toward it. Last evaluated 2025-05-28.

Conditions:
Cardiovascular phenotype. Identifiers: MedGen CN230736.
Alstrom syndrome (ALMS). Identifiers: Orphanet 64, MedGen C0268425, MONDO:0008763, OMIM 203800.

Allele frequency attached by ClinVar (database versions not stated): gnomAD exomes below 0.00001; TOPMed below 0.00001; ExAC 0.00001.
gnomAD v4.1: 1 of 1,614,038 alleles (0.000062%); highest among the groups gnomAD compares: African/African-American, 0.0013%; no homozygotes.

Submissions (5):

Labcorp Genetics (formerly Invitae), Labcorp
Classification: Uncertain significance for Alstrom syndrome. Last evaluated: 2025-05-28. Review status: criteria provided, single submitter. Criteria: Invitae Variant Classification Sherloc (09022015). Collection method: clinical testing. Allele origin: germline.
Comment: This sequence change replaces alanine, which is neutral and non-polar, with threonine, which is neutral and polar, at codon 562 of the ALMS1 protein (p.Ala562Thr). This variant is present in population databases (rs776104521, gnomAD 0.006%). This variant has not been reported in the literature in individuals affected with ALMS1-related conditions. ClinVar contains an entry for this variant (Variation ID: 989564). An algorithm developed to predict the effect of missense changes on protein structure and function outputs the following: PolyPhen-2: "Not Available". The threonine amino acid residue is found in multiple mammalian species, which suggests that this missense change does not adversely affect protein function. In summary, the available evidence is currently insufficient to determine the role of this variant in disease. Therefore, it has been classified as a Variant of Uncertain Significance.

Ambry Genetics
Classification: Likely benign for Cardiovascular phenotype. Last evaluated: 2023-12-12. Review status: criteria provided, single submitter. Criteria: Ambry Variant Classification Scheme 2023. Collection method: clinical testing. Allele origin: germline.

Blueprint Genetics
Classification: Uncertain significance. Last evaluated: 2022-01-14. Review status: criteria provided, single submitter. Criteria: ACMG Guidelines, 2015. Collection method: clinical testing. Allele origin: germline.

Fulgent Genetics
Classification: Uncertain significance for Alstrom syndrome. Last evaluated: 2021-08-31. Review status: criteria provided, single submitter. Criteria: ACMG Guidelines, 2015. Collection method: clinical testing. Allele origin: unknown.

Natera, Inc.
Classification: Uncertain significance for Alstrom syndrome. Last evaluated: 2020-08-13. Review status: no assertion criteria provided. Collection method: clinical testing. Allele origin: germline. Not counted in ClinVar's aggregate classification.

NM_001378454.1(ALMS1):c.1681G>A (p.Ala561Thr)

Gene: ALMS1 (ALMS1 centrosome and basal body associated protein; plus strand). Cytogenetic location: 2p13.1.
Variant type: single nucleotide variant.
Coding change: c.1681G>A on transcript NM_001378454.1 (MANE Select); coding-DNA position 1681, G replaced by A.
Protein change: p.Ala561Thr; replaces alanine 561 with threonine.
Molecular consequence: missense variant.
Genome position (GRCh38, 1-based): chr2:73,448,208, G>A. VCF-style: chr2-73448208-G-A. GRCh37 (hg19) VCF-style: chr2-73675335-G-A.
Other names: c.1684G>A, p.Ala562Thr (NM_015120.4); short protein forms A561T, A562T.
Identifiers: ClinVar variation 989564 (VCV000989564.7), dbSNP rs776104521, ClinGen allele CA1713207.